The following is an entry in ClinVar:

NM_006031.6(PCNT):c.6680C>T (p.Pro2227Leu)

Gene: PCNT (pericentrin; plus strand). Cytogenetic location: 21q22.3.
Variant type: single nucleotide variant.
Coding change: c.6680C>T on transcript NM_006031.6 (MANE Select); coding-DNA position 6680, C replaced by T.
Protein change: p.Pro2227Leu; replaces proline 2227 with leucine.
Molecular consequence: missense variant.
Genome position (GRCh38, 1-based): chr21:46,416,598, C>T. VCF-style: chr21-46416598-C-T. GRCh37 (hg19) VCF-style: chr21-47836512-C-T.
Other names: c.6326C>T, p.Pro2109Leu (NM_001315529.2); short protein forms P2109L, P2227L.
Identifiers: ClinVar variation 4987095 (VCV004987095.1).

ClinVar aggregate classification (germline): Uncertain significance (1 of 4 stars; one submission).

Conditions:
PCNT-related disorder. Also called: PCNT-related condition.

gnomAD v4.1: 6 of 1,602,520 alleles (0.00037%); highest among the groups gnomAD compares: Non-Finnish European, 0.00051%; no homozygotes.

Submission:

PreventionGenetics, part of Exact Sciences
Classification: Uncertain significance for PCNT-related condition. Last evaluated: 2024-10-08. Review status: criteria provided, single submitter. Criteria: ACMG Guidelines, 2015. Collection method: clinical testing. Allele origin: germline.
Comment: The PCNT c.6680C>T variant is predicted to result in the amino acid substitution p.Pro2227Leu. To our knowledge, this variant has not been reported in the literature. This variant is reported in 0.0065% of alleles in individuals of European (Non-Finnish) descent in gnomAD. At this time, the clinical significance of this variant is uncertain due to the absence of conclusive functional and genetic evidence.